The following is an entry in ClinVar:

ClinVar aggregate classification (germline): Uncertain significance (1 of 4 stars; one submission).

Submission:

Ambry Genetics
Classification: Uncertain significance. Last evaluated: 2026-03-17. Review status: criteria provided, single submitter. Criteria: Ambry Variant Classification Scheme 2023. Collection method: clinical testing. Allele origin: germline.
Comment: The p.E123G variant (also known as c.368A>G), located in coding exon 1 of the WNK2 gene, results from an A to G substitution at nucleotide position 368. The glutamic acid at codon 123 is replaced by glycine, an amino acid with similar properties. This amino acid position is conserved. In addition, this alteration is predicted to be tolerated by in silico analysis. Based on the available evidence, the clinical significance of this variant remains unclear.

NM_006648.4(WNK2):c.368A>G (p.Glu123Gly)

Gene: WNK2 (WNK lysine deficient protein kinase 2; plus strand). Cytogenetic location: 9q22.31.
Variant type: single nucleotide variant.
Coding change: c.368A>G on transcript NM_006648.4 (MANE Select); coding-DNA position 368, A replaced by G.
Protein change: p.Glu123Gly; replaces glutamic acid 123 with glycine.
Molecular consequence: missense variant.
Genome position (GRCh38, 1-based): chr9:93,185,297, A>G. VCF-style: chr9-93185297-A-G. GRCh37 (hg19) VCF-style: chr9-95947579-A-G.
Other names: c.368A>G, p.Glu123Gly (NM_001282394.3); short protein forms E123G.
Identifiers: ClinVar variation 4866513 (VCV004866513.1).